The following is an entry in ClinVar:

NM_002230.4(JUP):c.1825T>C (p.Cys609Arg)

Gene: JUP (junction plakoglobin; minus strand). Cytogenetic location: 17q21.2.
Variant type: single nucleotide variant.
Coding change: c.1825T>C on transcript NM_002230.4 (MANE Select); coding-DNA position 1825, T replaced by C.
Protein change: p.Cys609Arg; replaces cysteine 609 with arginine.
Molecular consequence: missense variant.
Genome position (GRCh38, 1-based): chr17:41,757,733, A>G on the plus strand (T>C on the coding strand, the complement: JUP is on the minus strand). VCF-style: chr17-41757733-A-G. GRCh37 (hg19) VCF-style: chr17-39913985-A-G.
Other names: c.1825T>C, p.Cys609Arg (NM_001352773.2, NM_001352774.2, NM_001352775.2 and 3 more transcripts); short protein forms C609R.
Identifiers: ClinVar variation 2942171 (VCV002942171.4), dbSNP rs2544037930, ClinGen allele CA399492499.

ClinVar aggregate classification (germline): Uncertain significance. Review status: criteria provided, multiple submitters, no conflicts (2 of 4 stars). 2 submissions from 2 submitters: Uncertain significance (2). Last evaluated 2024-09-12.

Conditions:
Arrhythmogenic right ventricular dysplasia 12. Also called: ARRHYTHMOGENIC RIGHT VENTRICULAR DYSPLASIA, FAMILIAL, 12. Identifiers: MedGen C1969081, MONDO:0012684, OMIM 611528.
Naxos disease (NXD). Also called: KERATOSIS PALMOPLANTARIS WITH ARRHYTHMOGENIC CARDIOMYOPATHY; MAL DE NAXOS; PALMOPLANTAR KERATODERMA WITH ARRHYTHMOGENIC RIGHT VENTRICULAR CARDIOMYOPATHY AND WOOLLY HAIR; WOOLLY HAIR, PALMOPLANTAR KERATODERMA, AND CARDIAC ABNORMALITIES; CARDIOMYOPATHY, ARRHYTHMOGENIC RIGHT VENTRICULAR, WITH SKIN, HAIR, AND NAIL ABNORMALITIES. Identifiers: Orphanet 34217, MedGen C1832600, MONDO:0011017, OMIM 601214.

Submissions (2):

Labcorp Genetics (formerly Invitae), Labcorp
Classification: Uncertain significance for Arrhythmogenic right ventricular dysplasia 12; Naxos disease. Last evaluated: 2024-09-12. Review status: criteria provided, single submitter. Criteria: Invitae Variant Classification Sherloc (09022015). Collection method: clinical testing. Allele origin: germline.
Comment: This sequence change replaces cysteine, which is neutral and slightly polar, with arginine, which is basic and polar, at codon 609 of the JUP protein (p.Cys609Arg). This variant is not present in population databases (gnomAD no frequency). This variant has not been reported in the literature in individuals affected with JUP-related conditions. An algorithm developed to predict the effect of missense changes on protein structure and function (PolyPhen-2) suggests that this variant is likely to be disruptive. In summary, the available evidence is currently insufficient to determine the role of this variant in disease. Therefore, it has been classified as a Variant of Uncertain Significance.

GeneDx
Classification: Uncertain significance. Last evaluated: 2024-03-20. Review status: criteria provided, single submitter. Criteria: GeneDx Variant Classification Process June 2021. Collection method: clinical testing. Allele origin: germline. Affected: yes.
Comment: Has not been previously published as pathogenic or benign to our knowledge; Not observed at significant frequency in large population cohorts (gnomAD); In silico analysis supports that this missense variant has a deleterious effect on protein structure/function